The following is an entry in ClinVar:

ClinVar aggregate classification (germline): Uncertain significance (1 of 4 stars; one submission).

Submission:

GeneDx
Classification: Uncertain significance. Last evaluated: 2024-10-09. Review status: criteria provided, single submitter. Criteria: GeneDx Variant Classification Process June 2021. Collection method: clinical testing. Allele origin: germline. Affected: yes.
Comment: Not observed at significant frequency in large population cohorts (gnomAD); In silico analysis supports that this missense variant has a deleterious effect on protein structure/function; Has not been previously published as pathogenic or benign to our knowledge

NM_001145026.2(PTPRQ):c.6856A>G (p.Met2286Val)

Gene: PTPRQ (protein tyrosine phosphatase receptor type Q; plus strand). Cytogenetic location: 12q21.31.
Variant type: single nucleotide variant.
Coding change: c.6856A>G on transcript NM_001145026.2 (MANE Select); coding-DNA position 6856, A replaced by G.
Protein change: p.Met2286Val; replaces methionine 2286 with valine.
Molecular consequence: missense variant.
Genome position (GRCh38, 1-based): chr12:80,678,719, A>G. VCF-style: chr12-80678719-A-G. GRCh37 (hg19) VCF-style: chr12-81072498-A-G.
Other names: short protein forms M2286V.
Identifiers: ClinVar variation 3777410 (VCV003777410.1).